The following is an entry in ClinVar:

ClinVar aggregate classification (germline): Uncertain significance (1 of 4 stars; one submission).

Allele frequency attached by ClinVar (database versions not stated): gnomAD exomes below 0.00001.
gnomAD v4.1: 1 of 1,613,814 alleles (0.000062%); highest among the groups gnomAD compares: Non-Finnish European, 0.000085%; no homozygotes.

Submission:

GeneDx
Classification: Uncertain significance. Last evaluated: 2019-09-06. Review status: criteria provided, single submitter. Criteria: GeneDx Variant Classification Process June 2021. Collection method: clinical testing. Allele origin: germline. Affected: yes.
Comment: Not observed in large population cohorts (Lek et al., 2016); In silico analysis, which includes protein predictors and evolutionary conservation, supports a deleterious effect; Has not been previously published as pathogenic or benign to our knowledge

NM_015178.3(RHOBTB2):c.218T>C (p.Val73Ala)

Gene: RHOBTB2 (Rho related BTB domain containing 2; plus strand). Cytogenetic location: 8p21.3.
Variant type: single nucleotide variant.
Coding change: c.218T>C on transcript NM_015178.3 (MANE Select); coding-DNA position 218, T replaced by C.
Protein change: p.Val73Ala; replaces valine 73 with alanine.
Molecular consequence: missense variant.
Genome position (GRCh38, 1-based): chr8:23,005,397, T>C. VCF-style: chr8-23005397-T-C. GRCh37 (hg19) VCF-style: chr8-22862910-T-C.
Other names: c.284T>C, p.Val95Ala (NM_001160036.2); c.239T>C, p.Val80Ala (NM_001160037.2); c.218T>C, p.Val73Ala (NM_001374791.1); short protein forms V73A, V80A, V95A.
Identifiers: ClinVar variation 1312203 (VCV001312203.2), dbSNP rs2128803741, ClinGen allele CA370560281.